The following is an entry in ClinVar:

ClinVar aggregate classification (germline): Uncertain significance (1 of 4 stars; one submission).

Submission:

GeneDx
Classification: Uncertain significance. Last evaluated: 2023-03-03. Review status: criteria provided, single submitter. Criteria: GeneDx Variant Classification Process June 2021. Collection method: clinical testing. Allele origin: germline. Affected: yes.
Comment: Has not been previously published as pathogenic or benign to our knowledge; Not observed at significant frequency in large population cohorts (gnomAD); In silico analysis supports that this missense variant does not alter protein structure/function

NM_017636.4(TRPM4):c.1642C>T (p.Leu548Phe)

Gene: TRPM4 (transient receptor potential cation channel subfamily M member 4; plus strand). Cytogenetic location: 19q13.33.
Variant type: single nucleotide variant.
Coding change: c.1642C>T on transcript NM_017636.4 (MANE Select); coding-DNA position 1642, C replaced by T.
Protein change: p.Leu548Phe; replaces leucine 548 with phenylalanine.
Molecular consequence: missense variant.
Genome position (GRCh38, 1-based): chr19:49,183,111, C>T. VCF-style: chr19-49183111-C-T. GRCh37 (hg19) VCF-style: chr19-49686368-C-T.
Other names: c.1642C>T, p.Leu548Phe (NM_001195227.2); c.1297C>T, p.Leu433Phe (NM_001321281.2); c.34C>T, p.Leu12Phe (NM_001321282.2); c.1120C>T, p.Leu374Phe (NM_001321283.2); c.580C>T, p.Leu194Phe (NM_001321285.2); short protein forms L12F, L194F, L374F, L433F, L548F.
Identifiers: ClinVar variation 2578300 (VCV002578300.1), dbSNP rs2514119304, ClinGen allele CA406800354.
Genomic context (GRCh38, chr19:49,183,111, plus strand): 5'-CCTCACCACCCCTCCTTTTGCTGGCAGATGTATCTGCTCTCGGACAAGGCCACCTCGCCG[C>T]TCTCGCTGGATGCTGGCCTCGGGCAGGCCCCCTGGAGCGACCTGCTTCTTTGGGCACTGT-3'
Protein context (NP_060106.2, residues 538-558): YLLSDKATSP[Leu548Phe]SLDAGLGQAP